The following is an entry in ClinVar:

NM_001152.5(SLC25A5):c.*2T>G

Gene: SLC25A5 (solute carrier family 25 member 5; plus strand). Cytogenetic location: Xq24.
Variant type: single nucleotide variant.
Coding change: c.*2T>G on transcript NM_001152.5 (MANE Select); 2 bases downstream of the stop codon, T replaced by G.
Molecular consequence: 3 prime UTR variant.
Genome position (GRCh38, 1-based): chrX:119,471,060, T>G. VCF-style: chrX-119471060-T-G. GRCh37 (hg19) VCF-style: chrX-118605023-T-G.
Identifiers: ClinVar variation 3060417 (VCV003060417.2), dbSNP rs74343587, ClinGen allele CA334970341.

ClinVar aggregate classification (germline): Benign (0 of 4 stars; one submission).

Conditions:
SLC25A5-related disorder. Also called: SLC25A5-related condition.

Allele frequency attached by ClinVar (database versions not stated): gnomAD exomes 0.01420; 1000 Genomes Project 30x 0.34776.

Submission:

PreventionGenetics, part of Exact Sciences
Classification: Benign for SLC25A5-related condition. Last evaluated: 2019-10-21. Review status: no assertion criteria provided. Collection method: clinical testing. Allele origin: germline.
Comment: This variant is classified as benign based on ACMG/AMP sequence variant interpretation guidelines (Richards et al. 2015 PMID: 25741868, with internal and published modifications).